The following is an entry in ClinVar:

NM_000302.4(PLOD1):c.1477T>A (p.Phe493Ile)

Gene: PLOD1 (procollagen-lysine,2-oxoglutarate 5-dioxygenase 1; plus strand). Cytogenetic location: 1p36.22.
Variant type: single nucleotide variant.
Coding change: c.1477T>A on transcript NM_000302.4 (MANE Select); coding-DNA position 1477, T replaced by A.
Protein change: p.Phe493Ile; replaces phenylalanine 493 with isoleucine.
Molecular consequence: missense variant.
Genome position (GRCh38, 1-based): chr1:11,965,486, T>A. VCF-style: chr1-11965486-T-A. GRCh37 (hg19) VCF-style: chr1-12025543-T-A.
Other names: c.1618T>A, p.Phe540Ile (NM_001316320.2); short protein forms F493I, F540I.
Identifiers: ClinVar variation 998541 (VCV000998541.10), dbSNP rs750942824, ClinGen allele CA338444349.

ClinVar aggregate classification (germline): Uncertain significance. Review status: criteria provided, multiple submitters, no conflicts (2 of 4 stars). 2 submissions from 2 submitters: Uncertain significance (2). Last evaluated 2022-03-18.

Conditions:
Ehlers-Danlos syndrome, kyphoscoliotic type 1 (EDSKSCL1). Also called: EHLERS-DANLOS SYNDROME, OCULAR-SCOLIOTIC TYPE; EHLERS-DANLOS SYNDROME, TYPE VIA; PLOD1-Related Kyphoscoliotic Ehlers-Danlos Syndrome; Ehlers-Danlos syndrome, hydroxylysine-deficient. Identifiers: Orphanet 1900, MedGen C0268342, MONDO:0016002, OMIM 225400. Disease mechanism: loss of function.

Allele frequency attached by ClinVar (database versions not stated): TOPMed below 0.00001.
gnomAD v4.1: 1 of 1,608,630 alleles (0.000062%); highest among the groups gnomAD compares: Non-Finnish European, 0.000085%; no homozygotes.

Submissions (2):

GeneDx
Classification: Uncertain significance. Last evaluated: 2022-03-18. Review status: criteria provided, single submitter. Criteria: GeneDx Variant Classification Process June 2021. Collection method: clinical testing. Allele origin: germline. Affected: yes.
Comment: Not observed at significant frequency in large population cohorts (gnomAD); In silico analysis supports that this missense variant has a deleterious effect on protein structure/function; Has not been previously published as pathogenic or benign to our knowledge; Reported in ClinVar but additional evidence is not available (ClinVar Variant ID#998541)

Labcorp Genetics (formerly Invitae), Labcorp
Classification: Uncertain significance for Ehlers-Danlos syndrome, kyphoscoliotic type 1. Last evaluated: 2020-06-30. Review status: criteria provided, single submitter. Criteria: Invitae Variant Classification Sherloc (09022015). Collection method: clinical testing. Allele origin: germline.
Comment: Algorithms developed to predict the effect of missense changes on protein structure and function are either unavailable or do not agree on the potential impact of this missense change (SIFT: "Deleterious"; PolyPhen-2: "Benign"; Align-GVGD: "Class C15"). This variant has not been reported in the literature in individuals with PLOD1-related conditions. This variant is not present in population databases (ExAC no frequency). This sequence change replaces phenylalanine with isoleucine at codon 493 of the PLOD1 protein (p.Phe493Ile). The phenylalanine residue is highly conserved and there is a small physicochemical difference between phenylalanine and isoleucine. In summary, the available evidence is currently insufficient to determine the role of this variant in disease. Therefore, it has been classified as a Variant of Uncertain Significance.